The following is an entry in ClinVar:

ClinVar aggregate classification (germline): Uncertain significance. Review status: criteria provided, multiple submitters, no conflicts (2 of 4 stars). 2 submissions from 2 submitters: Uncertain significance (2). Last evaluated 2025-04-17.

Conditions:
Cardiovascular phenotype. Identifiers: MedGen CN230736.
Primary dilated cardiomyopathy (DCM). Also called: Dilated Cardiomyopathy. Identifiers: Orphanet 217604, MedGen C0007193, MeSH D002311, MONDO:0005021, HP:0001644. Inheritance: Various modes of inheritance.

gnomAD v4.1: 8 of 1,528,840 alleles (0.00052%); highest among the groups gnomAD compares: Non-Finnish European, 0.0007%; no homozygotes.

Submissions (3):

Labcorp Genetics (formerly Invitae), Labcorp
Classification: Uncertain significance for Primary dilated cardiomyopathy. Last evaluated: 2025-04-17. Review status: criteria provided, single submitter. Criteria: Invitae Variant Classification Sherloc (09022015). Collection method: clinical testing. Allele origin: germline.
Comment: This sequence change replaces leucine, which is neutral and non-polar, with valine, which is neutral and non-polar, at codon 8 of the TXNRD2 protein (p.Leu8Val). The frequency data for this variant in the population databases is considered unreliable, as metrics indicate poor data quality at this position in the gnomAD database. This variant has not been reported in the literature in individuals affected with TXNRD2-related conditions. ClinVar contains an entry for this variant (Variation ID: 3464762). An algorithm developed to predict the effect of missense changes on protein structure and function (PolyPhen-2) suggests that this variant is likely to be tolerated. In summary, the available evidence is currently insufficient to determine the role of this variant in disease. Therefore, it has been classified as a Variant of Uncertain Significance.

Ambry Genetics
Classification: Uncertain significance for Cardiovascular phenotype. Last evaluated: 2024-08-20. Review status: criteria provided, single submitter. Criteria: Ambry Variant Classification Scheme 2023. Collection method: clinical testing. Allele origin: germline.

Dr. Peter K. Rogan Lab, Western University
No classification provided (evidence only). Condition: Thyroid cancer, nonmedullary, 1. Review status: no classification provided. Collection method: in vitro. Allele origin: not applicable. Functional consequence: retained intron. Not counted in ClinVar's aggregate classification.

NM_006440.5(TXNRD2):c.22C>G (p.Leu8Val)

Genes: COMT (catechol-O-methyltransferase; plus strand), TXNRD2 (thioredoxin reductase 2; minus strand). Cytogenetic location: 22q11.21.
Variant type: single nucleotide variant.
Coding change: c.22C>G on transcript NM_006440.5 (MANE Select); coding-DNA position 22, C replaced by G.
Protein change: p.Leu8Val; replaces leucine 8 with valine.
Molecular consequence: missense variant. On other transcripts: non-coding transcript variant (1), 5 prime UTR variant (2).
Genome position (GRCh38, 1-based): chr22:19,941,782, G>C on the plus strand (C>G on the coding strand, the complement: TXNRD2 is on the minus strand). VCF-style: chr22-19941782-G-C. GRCh37 (hg19) VCF-style: chr22-19929305-G-C.
Other names: NC_000022.10:g.19929305G>C; c.22C>G, p.Leu8Val (NM_001282512.3, NM_001352300.2); c.-207G>C (NM_000754.4); c.-501G>C (NM_001362828.2); short protein forms L8V.
Identifiers: ClinVar variation 3464762 (VCV003464762.3).